The following is an entry in ClinVar:

NM_007294.4(BRCA1):c.510del (p.Ile171fs)

Gene: BRCA1 (BRCA1 DNA repair associated; minus strand). Cytogenetic location: 17q21.31.
Variant type: Deletion.
Coding change: c.510del on transcript NM_007294.4 (MANE Select); coding-DNA position 510, one base deleted (G; older notation c.510delG).
Protein change: p.Ile171fs; shifts the reading frame from isoleucine 171.
Molecular consequence: frameshift variant. On other transcripts: non-coding transcript variant (1).
Genome position (GRCh38, 1-based): chr17:43,099,812, C deleted on the plus strand (G on the coding strand, the reverse complement: BRCA1 is on the minus strand); the first of 2 consecutive C bases (chr17:43,099,812-43,099,813); deleting either gives the same sequence. VCF-style (leftmost placement, unchanged base first): chr17-43099811-TC-T. GRCh37 (hg19) VCF-style: chr17-41251828-TC-T.
Other names: c.509delG, p.Ile171Tyrfs (NM_001407680.1, NM_001407681.1, NM_001407682.1 and 95 more transcripts); c.506delG, p.Ile170Tyrfs (NM_001407685.1, NM_001407686.1, NM_001407687.1 and 65 more transcripts); c.368delG, p.Ile124Tyrfs (NM_001407692.1, NM_001407694.1, NM_001407695.1 and 60 more transcripts); c.365delG, p.Ile123Tyrfs (NM_001407740.1, NM_001407741.1, NM_001407742.1 and 35 more transcripts); c.296delG, p.Ile100Tyrfs (NM_001407853.1, NM_001407894.1, NM_001407895.1 and 18 more transcripts); c.431delG, p.Ile145Tyrfs (NM_001407862.1, NM_001408409.1, NM_001408411.1 and 12 more transcripts); c.428delG, p.Ile144Tyrfs (NM_001407874.1, NM_001407875.1, NM_001408413.1 and 6 more transcripts); c.299delG, p.Ile101Tyrfs (NM_001407879.1, NM_001407881.1, NM_001407882.1 and 37 more transcripts); and 7 more; short protein forms I171fs, I124fs.
Identifiers: ClinVar variation 417833 (VCV000417833.3), dbSNP rs1060505052, ClinGen allele CA16616890.

ClinVar aggregate classification (germline): Pathogenic. Review status: reviewed by expert panel (3 of 4 stars). 2 submissions from 2 submitters: Pathogenic (1). 1 of the submissions does not count toward it. Last evaluated 2017-12-15.

Conditions:
Breast-ovarian cancer, familial, susceptibility to, 1 (BROVCA1). Also called: BRCA1 Hereditary Breast and Ovarian Cancer; OVARIAN CANCER, SUSCEPTIBILITY TO. Identifiers: Orphanet 145, MedGen C2676676, MONDO:0011450, OMIM 604370. Disease mechanism: loss of function.

Submissions (2):

Evidence-based Network for the Interpretation of Germline Mutant Alleles (ENIGMA)
Classification: Pathogenic for Breast-ovarian cancer, familial, susceptibility to, 1. Last evaluated: 2017-12-15. Review status: reviewed by expert panel. Criteria: ENIGMA BRCA1/2 Classification Criteria (2017-06-29). Collection method: curation. Allele origin: germline. Study: ENIGMA.
Comment: Variant allele predicted to encode a truncated non-functional protein.

Department of Medical Genetics, Oslo University Hospital
Classification: Pathogenic for Breast-ovarian cancer, familial, susceptibility to, 1. Last evaluated: 2016-04-18. Review status: criteria provided, single submitter. Criteria: ACMG Guidelines, 2015. Collection method: clinical testing. Allele origin: germline. Affected: yes. Observed: 2 variant alleles. Not counted in ClinVar's aggregate classification.